The following is an entry in ClinVar:

NM_001012614.2(CTBP1):c.154C>T (p.His52Tyr)

Gene: CTBP1 (C-terminal binding protein 1; minus strand). Cytogenetic location: 4p16.3.
Variant type: single nucleotide variant.
Coding change: c.154C>T on transcript NM_001012614.2 (MANE Select); coding-DNA position 154, C replaced by T.
Protein change: p.His52Tyr; replaces histidine 52 with tyrosine.
Molecular consequence: missense variant.
Genome position (GRCh38, 1-based): chr4:1,238,191, G>A on the plus strand (C>T on the coding strand, the complement: CTBP1 is on the minus strand). VCF-style: chr4-1238191-G-A. GRCh37 (hg19) VCF-style: chr4-1231979-G-A.
Other names: c.187C>T, p.His63Tyr (NM_001328.3, NM_001377186.1); c.154C>T, p.His52Tyr (NM_001377187.1, NM_001377188.1, NM_001377189.1 and 4 more transcripts); c.187C>T (NM_001328.2); short protein forms H52Y, H63Y.
Identifiers: ClinVar variation 1331607 (VCV001331607.6), dbSNP rs2108786061, ClinGen allele CA355960715.

ClinVar aggregate classification (germline): Uncertain significance. Review status: criteria provided, single submitter (1 of 4 stars). 2 submissions from 2 submitters: Uncertain significance (1). 1 of the submissions does not count toward it. Last evaluated 2021-02-08.

Conditions:
Inborn genetic diseases. Identifiers: MedGen C0950123, MeSH D030342.

Submissions (2):

Ambry Genetics
Classification: Uncertain significance for Inborn genetic diseases. Last evaluated: 2021-02-08. Review status: criteria provided, single submitter. Criteria: Ambry Variant Classification Scheme 2023. Collection method: clinical testing. Allele origin: germline.

Greenwood Genetic Center Diagnostic Laboratories, Greenwood Genetic Center
Classification: Uncertain significance. Last evaluated: 2021-03-10. Review status: no assertion criteria provided. Collection method: clinical testing. Allele origin: germline. Affected: yes. Not counted in ClinVar's aggregate classification.
Comment: Gene of uncertain clinical significance